The following is an entry in ClinVar:

ClinVar aggregate classification (germline): Uncertain significance (1 of 4 stars; one submission).

Conditions:
Aortic aneurysm, familial thoracic 4 (AAT4). Also called: AORTIC ANEURYSM/AORTIC DISSECTION AND PATENT DUCTUS ARTERIOSUS. Identifiers: MedGen C1851504, MONDO:0007568, OMIM 132900.

Submission:

Labcorp Genetics (formerly Invitae), Labcorp
Classification: Uncertain significance for Aortic aneurysm, familial thoracic 4. Last evaluated: 2025-10-14. Review status: criteria provided, single submitter. Criteria: Invitae Variant Classification Sherloc (09022015). Collection method: clinical testing. Allele origin: germline.
Comment: This sequence change replaces lysine, which is basic and polar, with glutamine, which is neutral and polar, at codon 1807 of the MYH11 protein (p.Lys1807Gln). This variant is not present in population databases (gnomAD no frequency). This variant has not been reported in the literature in individuals affected with MYH11-related conditions. Invitae Evidence Modeling of protein sequence and biophysical properties (such as structural, functional, and spatial information, amino acid conservation, physicochemical variation, residue mobility, and thermodynamic stability) indicates that this missense variant is not expected to disrupt MYH11 protein function with a negative predictive value of 95%. In summary, the available evidence is currently insufficient to determine the role of this variant in disease. Therefore, it has been classified as a Variant of Uncertain Significance.

NM_002474.3(MYH11):c.5398A>C (p.Lys1800Gln)

Genes: NDE1 (nudE neurodevelopment protein 1; plus strand), MYH11 (myosin heavy chain 11; minus strand). Cytogenetic location: 16p13.11.
Variant type: single nucleotide variant.
Coding change: c.5398A>C on transcript NM_002474.3 (MANE Select); coding-DNA position 5398, A replaced by C.
Protein change: p.Lys1800Gln; replaces lysine 1800 with glutamine.
Molecular consequence: missense variant. On other transcripts: intron variant (2).
Genome position (GRCh38, 1-based): chr16:15,717,246, T>G on the plus strand (A>C on the coding strand, the complement: MYH11 is on the minus strand). VCF-style: chr16-15717246-T-G. GRCh37 (hg19) VCF-style: chr16-15811103-T-G.
Other names: c.5419A>C, p.Lys1807Gln (NM_001040113.2, NM_001040114.2); c.5398A>C, p.Lys1800Gln (NM_022844.3); c.948-6945T>G (NM_001143979.2, NM_017668.3); short protein forms K1807Q, K1800Q.
Identifiers: ClinVar variation 4694802 (VCV004694802.1).